The following is an entry in ClinVar:

NM_005585.5(SMAD6):c.1184A>G (p.Lys395Arg)

Gene: SMAD6 (SMAD family member 6; plus strand). Cytogenetic location: 15q22.31.
Variant type: single nucleotide variant.
Coding change: c.1184A>G on transcript NM_005585.5 (MANE Select); coding-DNA position 1184, A replaced by G.
Protein change: p.Lys395Arg; replaces lysine 395 with arginine.
Molecular consequence: missense variant. On other transcripts: non-coding transcript variant (1).
Genome position (GRCh38, 1-based): chr15:66,781,228, A>G. VCF-style: chr15-66781228-A-G. GRCh37 (hg19) VCF-style: chr15-67073566-A-G.
Other names: short protein forms K395R.
Identifiers: ClinVar variation 471746 (VCV000471746.18), dbSNP rs149949971, ClinGen allele CA7626744.

ClinVar aggregate classification (germline): Conflicting classifications of pathogenicity. Review status: criteria provided, conflicting classifications (1 of 4 stars). 3 submissions from 3 submitters: Uncertain significance (1); Likely benign (2). Last evaluated 2026-03-15.

Conditions:
Aortic valve disease 2 (AOVD2). Identifiers: MedGen C3542024, MONDO:0013902, OMIM 614823.

Allele frequency attached by ClinVar (database versions not stated): gnomAD exomes 0.00005 and 0.00012; ExAC 0.00013; ESP Exome Variant Server 0.00031; 1000 Genomes Project 0.00060; gnomAD 0.00060 and 0.00065; TOPMed 0.00066; 1000 Genomes Project 30x 0.00078.
gnomAD v4.1: 176 of 1,608,868 alleles (0.011%); highest among the groups gnomAD compares: African/African-American, 0.18%; 1 homozygote.

Submissions (3):

Women's Health and Genetics/Laboratory Corporation of America, LabCorp
Classification: Likely benign. Last evaluated: 2026-03-15. Review status: criteria provided, single submitter. Criteria: LabCorp Variant Classification Summary - May 2015. Collection method: clinical testing. Allele origin: germline.

Labcorp Genetics (formerly Invitae), Labcorp
Classification: Uncertain significance for Aortic valve disease 2. Last evaluated: 2025-10-26. Review status: criteria provided, single submitter. Criteria: Invitae Variant Classification Sherloc (09022015). Collection method: clinical testing. Allele origin: germline.
Comment: This sequence change replaces lysine, which is basic and polar, with arginine, which is basic and polar, at codon 395 of the SMAD6 protein (p.Lys395Arg). This variant is present in population databases (rs149949971, gnomAD 0.2%), and has an allele count higher than expected for a pathogenic variant. This missense change has been observed in individual(s) with craniosynostosis (PMID: 32499606). ClinVar contains an entry for this variant (Variation ID: 471746). Invitae Evidence Modeling of protein sequence and biophysical properties (such as structural, functional, and spatial information, amino acid conservation, physicochemical variation, residue mobility, and thermodynamic stability) indicates that this missense variant is not expected to disrupt SMAD6 protein function with a negative predictive value of 80%. Experimental studies have shown that this missense change does not substantially affect SMAD6 function (PMID: 32499606). In summary, the available evidence is currently insufficient to determine the role of this variant in disease. Therefore, it has been classified as a Variant of Uncertain Significance.

CeGaT Center for Human Genetics Tuebingen
Classification: Likely benign. Last evaluated: 2025-09-01. Review status: criteria provided, single submitter. Criteria: CeGaT Center For Human Genetics Tuebingen Variant Classification Criteria Version 2. Collection method: clinical testing. Allele origin: germline. Affected: yes. Observed: 1 variant allele.
Comment: SMAD6: BS1

Literature cited by the submitters: PubMed 32499606 (cited by Labcorp Genetics (formerly Invitae), Labcorp).